The following is an entry in ClinVar:

ClinVar aggregate classification (germline): Uncertain significance (1 of 4 stars; one submission).

Submission:

Labcorp Genetics (formerly Invitae), Labcorp
Classification: Uncertain significance. Last evaluated: 2025-03-18. Review status: criteria provided, single submitter. Criteria: Invitae Variant Classification Sherloc (09022015). Collection method: clinical testing. Allele origin: germline.
Comment: This sequence change affects codon 992 of the SLC12A2 mRNA. It is a 'silent' change, meaning that it does not change the encoded amino acid sequence of the SLC12A2 protein. It affects a nucleotide within the consensus splice site. This variant is not present in population databases (gnomAD no frequency). This variant has not been reported in the literature in individuals affected with SLC12A2-related conditions. Algorithms developed to predict the effect of sequence changes on RNA splicing suggest that this variant may disrupt the consensus splice site. In summary, the available evidence is currently insufficient to determine the role of this variant in disease. Therefore, it has been classified as a Variant of Uncertain Significance.

NM_001046.3(SLC12A2):c.2976A>G (p.Lys992=)

Gene: SLC12A2 (solute carrier family 12 member 2; plus strand). Cytogenetic location: 5q23.3.
Variant type: single nucleotide variant.
Coding change: c.2976A>G on transcript NM_001046.3 (MANE Select); coding-DNA position 2976, A replaced by G.
Protein change: p.Lys992=; no amino-acid change (lysine 992 retained).
Molecular consequence: synonymous variant. On other transcripts: non-coding transcript variant (1), intron variant (1).
Genome position (GRCh38, 1-based): chr5:128,177,151, A>G. VCF-style: chr5-128177151-A-G. GRCh37 (hg19) VCF-style: chr5-127512843-A-G.
Other names: c.2930-1416A>G (NM_001256461.2).
Identifiers: ClinVar variation 4715386 (VCV004715386.1).